The following is an entry in ClinVar:

ClinVar aggregate classification (germline): Likely benign. Review status: criteria provided, multiple submitters, no conflicts (2 of 4 stars). 4 submissions from 4 submitters: Likely benign (3). 1 of the submissions does not count toward it. Last evaluated 2025-12-20.

Conditions:
FBLN5-related disorder. Also called: FBLN5-related condition.

Allele frequency attached by ClinVar (database versions not stated): gnomAD 0.00001; gnomAD exomes 0.00001 and 0.00002; TOPMed 0.00002.
gnomAD v4.1: 19 of 1,613,784 alleles (0.0012%); highest among the groups gnomAD compares: East Asian, 0.0022%; no homozygotes.

Submissions (4):

Labcorp Genetics (formerly Invitae), Labcorp
Classification: Likely benign. Last evaluated: 2025-12-20. Review status: criteria provided, single submitter. Criteria: Invitae Variant Classification Sherloc (09022015). Collection method: clinical testing. Allele origin: germline.

CeGaT Center for Human Genetics Tuebingen
Classification: Likely benign. Last evaluated: 2025-12-01. Review status: criteria provided, single submitter. Criteria: CeGaT Center For Human Genetics Tuebingen Variant Classification Criteria Version 2. Collection method: clinical testing. Allele origin: germline. Affected: yes. Observed: 1 variant allele.
Comment: FBLN5: BP4, BP7

GeneDx
Classification: Likely benign. Last evaluated: 2016-10-24. Review status: criteria provided, single submitter. Criteria: GeneDx Variant Classification (06012015). Collection method: clinical testing. Allele origin: germline. Affected: yes.
Comment: This variant is considered likely benign or benign based on one or more of the following criteria: it is a conservative change, it occurs at a poorly conserved position in the protein, it is predicted to be benign by multiple in silico algorithms, and/or has population frequency not consistent with disease.

PreventionGenetics, part of Exact Sciences
Classification: Likely benign for FBLN5-related condition. Last evaluated: 2019-04-12. Review status: no assertion criteria provided. Collection method: clinical testing. Allele origin: germline. Not counted in ClinVar's aggregate classification.
Comment: This variant is classified as likely benign based on ACMG/AMP sequence variant interpretation guidelines (Richards et al. 2015 PMID: 25741868, with internal and published modifications).

NM_006329.4(FBLN5):c.1086C>T (p.Pro362=)

Gene: FBLN5 (fibulin 5; minus strand). Cytogenetic location: 14q32.12.
Variant type: single nucleotide variant.
Coding change: c.1086C>T on transcript NM_006329.4 (MANE Select); coding-DNA position 1086, C replaced by T.
Protein change: p.Pro362=; no amino-acid change (proline 362 retained).
Molecular consequence: synonymous variant.
Genome position (GRCh38, 1-based): chr14:91,877,586, G>A on the plus strand (C>T on the coding strand, the complement: FBLN5 is on the minus strand). VCF-style: chr14-91877586-G-A. GRCh37 (hg19) VCF-style: chr14-92343930-G-A.
Other names: c.1209C>T, p.Pro403= (NM_001384158.1); c.1137C>T, p.Pro379= (NM_001384159.1); c.1086C>T, p.Pro362= (NM_001384160.1); c.918C>T, p.Pro306= (NM_001384161.1, NM_001384162.1).
Identifiers: ClinVar variation 390207 (VCV000390207.15), dbSNP rs1031426933, ClinGen allele CA16606885.
Genomic context (GRCh38, chr14:91,877,586, plus strand): 5'-CTGGAAAATGTAATAGGCCCCAGGGTAGCGGGTCGTGGCTTGCATTTGGAAGATGTCAGC[G>A]GGAACGGAGCGTCCTGACACCACGTCCATGTCCCGGTACAAGATGGTAAAGGGCTGGTCT-3'
Protein context (NP_006320.2, residues 352-372): DMDVVSGRSV[Pro362=]ADIFQMQATT